The following is an entry in ClinVar:

ClinVar aggregate classification (germline): Conflicting classifications of pathogenicity. Review status: criteria provided, conflicting classifications (1 of 4 stars). 3 submissions from 3 submitters: Uncertain significance (1); Likely benign (2). Last evaluated 2024-05-08.

Conditions:
Hereditary cancer-predisposing syndrome. Also called: Neoplastic Syndromes, Hereditary; Hereditary Cancer Syndrome; Hereditary neoplastic syndrome; Tumor predisposition. Identifiers: Orphanet 140162, MedGen C0027672, MeSH D009386, MONDO:0015356.

Allele frequency attached by ClinVar (database versions not stated): gnomAD exomes below 0.00001; TOPMed below 0.00001.
gnomAD v4.1: 2 of 1,613,546 alleles (0.00012%); highest among the groups gnomAD compares: Middle Eastern, 0.017%; no homozygotes.

Submissions (3):

GeneDx
Classification: Uncertain significance. Last evaluated: 2024-05-08. Review status: criteria provided, single submitter. Criteria: GeneDx Variant Classification Process June 2021. Collection method: clinical testing. Allele origin: germline. Affected: yes.
Comment: Not observed at significant frequency in large population cohorts (gnomAD); Has not been previously published as pathogenic or benign to our knowledge; In silico analysis is inconclusive as to whether the variant alters gene splicing. In the absence of RNA/functional studies, the actual effect of this sequence change is unknown

Ambry Genetics
Classification: Likely benign for Hereditary cancer-predisposing syndrome. Last evaluated: 2022-11-26. Review status: criteria provided, single submitter. Criteria: Ambry Variant Classification Scheme 2023. Collection method: clinical testing. Allele origin: germline.

Labcorp Genetics (formerly Invitae), Labcorp
Classification: Likely benign. Last evaluated: 2017-08-21. Review status: criteria provided, single submitter. Criteria: Invitae Variant Classification Sherloc (09022015). Collection method: clinical testing. Allele origin: germline.

NM_006231.4(POLE):c.2709A>G (p.Glu903=)

Gene: POLE (DNA polymerase epsilon, catalytic subunit; minus strand). Cytogenetic location: 12q24.33.
Variant type: single nucleotide variant.
Coding change: c.2709A>G on transcript NM_006231.4 (MANE Select); coding-DNA position 2709, A replaced by G.
Protein change: p.Glu903=; no amino-acid change (glutamic acid 903 retained).
Molecular consequence: synonymous variant.
Genome position (GRCh38, 1-based): chr12:132,661,682, T>C on the plus strand (A>G on the coding strand, the complement: POLE is on the minus strand). VCF-style: chr12-132661682-T-C. GRCh37 (hg19) VCF-style: chr12-133238268-T-C.
Other names: c.2709A>G (NM_006231.2).
Identifiers: ClinVar variation 540879 (VCV000540879.11), dbSNP rs1555226065, ClinGen allele CA482735716.